The following is an entry in ClinVar:

ClinVar aggregate classification (germline): Conflicting classifications of pathogenicity. Review status: criteria provided, conflicting classifications (1 of 4 stars). 3 submissions from 3 submitters: Likely pathogenic (1); Uncertain significance (2). Last evaluated 2026-01-23.

Conditions:
Wilson disease (WND). Also called: Wilson's disease. Identifiers: Orphanet 905, MedGen C0019202, MONDO:0010200, OMIM 277900. Disease mechanism: loss of function.
ATP7B-related disorder. Also called: ATP7B-related condition.

gnomAD v4.1: 2 of 1,614,224 alleles (0.00012%); highest among the groups gnomAD compares: Non-Finnish European, 0.00017%; no homozygotes.

Submissions (3):

Myriad Genetics, Inc.
Classification: Uncertain significance for Wilson disease. Last evaluated: 2026-01-23. Review status: criteria provided, single submitter. Criteria: Myriad Autosomal Dominant, Autosomal Recessive and X-Linked Classification Criteria (2023). Collection method: clinical testing. Allele origin: unknown.
Comment: NM_000053.3(ATP7B):c.2596A>G(K866E) is a missense variant classified as a variant of uncertain significance in the context of Wilson disease. K866E has been observed in a case with relevant disease (PMID: 37157876). Relevant functional assessments of this variant are not available in the literature. K866E has not been observed in referenced population frequency databases. In summary, there is insufficient evidence to classify NM_000053.3(ATP7B):c.2596A>G(K866E) as pathogenic or benign. Please note: this variant was assessed in the context of healthy population screening.

All of Us Research Program, National Institutes of Health
Classification: Uncertain significance for Wilson disease. Last evaluated: 2024-02-22. Review status: criteria provided, single submitter. Criteria: ACMG Guidelines, 2015. Collection method: clinical testing. Allele origin: germline. Inheritance: Autosomal recessive inheritance. Observed: 1 variant allele, 1 heterozygote.
Comment: This missense variant replaces lysine with glutamic acid at codon 866 of the ATP7B protein. Computational prediction suggests that this variant may have deleterious impact on protein structure and function (internally defined REVEL score threshold >= 0.7, PMID: 27666373). To our knowledge, functional studies have not been reported for this variant. This variant has not been reported in individuals affected with Wilson disease in the literature. This variant has not been identified in the general population by the Genome Aggregation Database (gnomAD). The available evidence is insufficient to determine the role of this variant in disease conclusively. Therefore, this variant is classified as a Variant of Uncertain Significance.

This study involves interpretation of variants in research participants for the purpose of population health screening. Participant phenotype was not available at the time of variant classification. Additional details can be found in publication PMID: 35346344, PMCID: PMC8962531

Blueprint Genetics
Classification: Likely pathogenic for ATP7B-related disorders. Last evaluated: 2024-02-12. Review status: criteria provided, single submitter. Criteria: ACMG Guidelines, 2015. Collection method: clinical testing. Allele origin: germline. Affected: yes. Observed: 1 variant allele.

Literature cited by the submitters: PubMed 37157876 (cited by Myriad Genetics, Inc.).

NM_000053.4(ATP7B):c.2596A>G (p.Lys866Glu)

Gene: ATP7B (ATPase copper transporting beta; minus strand). Cytogenetic location: 13q14.3.
Variant type: single nucleotide variant.
Coding change: c.2596A>G on transcript NM_000053.4 (MANE Select); coding-DNA position 2596, A replaced by G.
Protein change: p.Lys866Glu; replaces lysine 866 with glutamic acid.
Molecular consequence: missense variant.
Genome position (GRCh38, 1-based): chr13:51,950,141, T>C on the plus strand (A>G on the coding strand, the complement: ATP7B is on the minus strand). VCF-style: chr13-51950141-T-C. GRCh37 (hg19) VCF-style: chr13-52524277-T-C.
Other names: c.2110A>G, p.Lys704Glu (NM_001005918.3, NM_001406541.1, NM_001406542.1 and 1 more transcripts); c.2263A>G, p.Lys755Glu (NM_001243182.2); c.2362A>G, p.Lys788Glu (NM_001330578.2, NM_001406538.1, NM_001406527.1 and 2 more transcripts); c.2344A>G, p.Lys782Glu (NM_001330579.2, NM_001406540.1, NM_001406531.1 and 1 more transcripts); c.2596A>G, p.Lys866Glu (NM_001406511.1, NM_001406512.1, NM_001406513.1 and 7 more transcripts); c.2563A>G, p.Lys855Glu (NM_001406514.1); c.2500A>G, p.Lys834Glu (NM_001406517.1, NM_001406518.1); c.2452A>G, p.Lys818Glu (NM_001406520.1, NM_001406521.1, NM_001406522.1 and 1 more transcripts); and 8 more; short protein forms K436E, K650E, K672E, K704E, K723E, K750E, K755E, K756E.
Identifiers: ClinVar variation 3387641 (VCV003387641.3).